The following is an entry in ClinVar:

ClinVar aggregate classification (germline): Uncertain significance (1 of 4 stars; one submission).

Conditions:
Familial hemophagocytic lymphohistiocytosis 3 (FHL3). Also called: UNC13D-Related Familial Hemophagocytic Lymphohistiocytosis (UNC13D-fHLH). Identifiers: Orphanet 540, MedGen C1837174, MONDO:0012146, OMIM 608898.

Submission:

Labcorp Genetics (formerly Invitae), Labcorp
Classification: Uncertain significance for Familial hemophagocytic lymphohistiocytosis 3. Last evaluated: 2024-02-24. Review status: criteria provided, single submitter. Criteria: Invitae Variant Classification Sherloc (09022015). Collection method: clinical testing. Allele origin: germline.
Comment: This sequence change replaces alanine, which is neutral and non-polar, with glutamic acid, which is acidic and polar, at codon 352 of the UNC13D protein (p.Ala352Glu). This variant is not present in population databases (gnomAD no frequency). This variant has not been reported in the literature in individuals affected with UNC13D-related conditions. ClinVar contains an entry for this variant (Variation ID: 1044960). An algorithm developed to predict the effect of missense changes on protein structure and function (PolyPhen-2) suggests that this variant is likely to be disruptive. In summary, the available evidence is currently insufficient to determine the role of this variant in disease. Therefore, it has been classified as a Variant of Uncertain Significance.

NM_199242.3(UNC13D):c.1055C>A (p.Ala352Glu)

Gene: UNC13D (unc-13 homolog D; minus strand). Cytogenetic location: 17q25.1.
Variant type: single nucleotide variant.
Coding change: c.1055C>A on transcript NM_199242.3 (MANE Select); coding-DNA position 1055, C replaced by A.
Protein change: p.Ala352Glu; replaces alanine 352 with glutamic acid.
Molecular consequence: missense variant.
Genome position (GRCh38, 1-based): chr17:75,839,839, G>T on the plus strand (C>A on the coding strand, the complement: UNC13D is on the minus strand). VCF-style: chr17-75839839-G-T. GRCh37 (hg19) VCF-style: chr17-73835920-G-T.
Other names: short protein forms A352E.
Identifiers: ClinVar variation 1044960 (VCV001044960.7), dbSNP rs532376208, ClinGen allele CA401105774.